The following is an entry in ClinVar:

NM_000383.4(AIRE):c.253_255del (p.Tyr85del)

Gene: AIRE (autoimmune regulator; plus strand). Cytogenetic location: 21q22.3.
Variant type: Deletion.
Coding change: c.253_255del on transcript NM_000383.4 (MANE Select); coding-DNA positions 253 to 255, 3 bases deleted (TAC; older notation c.253_255delTAC).
Protein change: p.Tyr85del; deletes tyrosine 85.
Molecular consequence: inframe deletion.
Genome position (GRCh38, 1-based): chr21:44,286,677-44,286,679, TAC deleted; deleting any 3 consecutive bases within chr21:44,286,675-44,286,679 gives the same sequence; the c. name uses the placement nearest the transcript's 3' end. VCF-style (leftmost placement, unchanged base first): chr21-44286674-GACT-G. GRCh37 (hg19) VCF-style: chr21-45706557-GACT-G.
Other names: short protein forms Y85del.
Identifiers: ClinVar variation 1522763 (VCV001522763.8), dbSNP rs2146375885, ClinGen allele CA2573157678.

ClinVar aggregate classification (germline): Pathogenic (1 of 4 stars; one submission).

Conditions:
Polyglandular autoimmune syndrome, type 1 (APS1). Also called: Whitaker syndrome; Autoimmune polyendocrinopathy syndrome , type I, with or without reversible metaphyseal dysplasia; AUTOIMMUNE POLYENDOCRINE SYNDROME, TYPE I, WITH OR WITHOUT REVERSIBLE METAPHYSEAL DYSPLASIA; HYPOADRENOCORTICISM WITH HYPOPARATHYROIDISM AND SUPERFICIAL MONILIASIS; Autoimmune polyendocrine syndrome type 1; PGA I. Identifiers: Orphanet 3453, MedGen C0085859, MONDO:0009411, OMIM 240300.

Submission:

Labcorp Genetics (formerly Invitae), Labcorp
Classification: Pathogenic for Polyglandular autoimmune syndrome, type 1. Last evaluated: 2023-07-14. Review status: criteria provided, single submitter. Criteria: Invitae Variant Classification Sherloc (09022015). Collection method: clinical testing. Allele origin: germline.
Comment: For these reasons, this variant has been classified as Pathogenic. This variant disrupts a region of the AIRE protein in which other variant(s) (p.Tyr85Cys) have been determined to be pathogenic (PMID: 10677297, 12050215, 25367057). This suggests that this is a clinically significant region of the protein, and that variants that disrupt it are likely to be disease-causing. ClinVar contains an entry for this variant (Variation ID: 1522763). This variant, c.253_255del, results in the deletion of 1 amino acid(s) of the AIRE protein (p.Tyr85del), but otherwise preserves the integrity of the reading frame. This variant is not present in population databases (gnomAD no frequency). This variant has been observed in individual(s) with autosomal recessive AIRE-related conditions (Invitae). In at least one individual the data is consistent with being in trans (on the opposite chromosome) from a pathogenic variant.

Literature cited by the submitters: PubMed 10677297; PubMed 12050215; PubMed 25367057.